The following is an entry in ClinVar:

NM_004385.5(VCAN):c.8956G>T (p.Val2986Phe)

Genes: VCAN (versican; plus strand), VCAN-AS1 (VCAN antisense RNA 1; minus strand). Cytogenetic location: 5q14.3.
Variant type: single nucleotide variant.
Coding change: c.8956G>T on transcript NM_004385.5 (MANE Select); coding-DNA position 8956, G replaced by T.
Protein change: p.Val2986Phe; replaces valine 2986 with phenylalanine.
Molecular consequence: missense variant. On other transcripts: intron variant (2).
Genome position (GRCh38, 1-based): chr5:83,541,959, G>T. VCF-style: chr5-83541959-G-T. GRCh37 (hg19) VCF-style: chr5-82837778-G-T.
Other names: c.4004-3578G>T (NM_001164098.2); c.1043-3578G>T (NM_001126336.3); c.5995G>T, p.Val1999Phe (NM_001164097.2); short protein forms V1999F, V2986F.
Identifiers: ClinVar variation 2791561 (VCV002791561.3), dbSNP rs984823914, ClinGen allele CA360294537.

ClinVar aggregate classification (germline): Uncertain significance (1 of 4 stars; one submission).

Submission:

Labcorp Genetics (formerly Invitae), Labcorp
Classification: Uncertain significance. Last evaluated: 2023-08-25. Review status: criteria provided, single submitter. Criteria: Invitae Variant Classification Sherloc (09022015). Collection method: clinical testing. Allele origin: germline.
Comment: This sequence change replaces valine, which is neutral and non-polar, with phenylalanine, which is neutral and non-polar, at codon 2986 of the VCAN protein (p.Val2986Phe). This variant is not present in population databases (gnomAD no frequency). This variant has not been reported in the literature in individuals affected with VCAN-related conditions. An algorithm developed to predict the effect of missense changes on protein structure and function (PolyPhen-2) suggests that this variant is likely to be tolerated. In summary, the available evidence is currently insufficient to determine the role of this variant in disease. Therefore, it has been classified as a Variant of Uncertain Significance.